The following is an entry in ClinVar:

NM_016169.4(SUFU):c.109A>C (p.Ile37Leu)

Gene: SUFU (SUFU negative regulator of hedgehog signaling; plus strand). Cytogenetic location: 10q24.32.
Variant type: single nucleotide variant.
Coding change: c.109A>C on transcript NM_016169.4 (MANE Select); coding-DNA position 109, A replaced by C.
Protein change: p.Ile37Leu; replaces isoleucine 37 with leucine.
Molecular consequence: missense variant.
Genome position (GRCh38, 1-based): chr10:102,504,261, A>C. VCF-style: chr10-102504261-A-C. GRCh37 (hg19) VCF-style: chr10-104264018-A-C.
Other names: c.109A>C, p.Ile37Leu (NM_001178133.2); short protein forms I37L.
Identifiers: ClinVar variation 2452622 (VCV002452622.2), dbSNP rs745793517, ClinGen allele CA377886497.

ClinVar aggregate classification (germline): Uncertain significance (1 of 4 stars; one submission).

Conditions:
Hereditary cancer-predisposing syndrome. Also called: Neoplastic Syndromes, Hereditary; Tumor predisposition; Hereditary neoplastic syndrome; Hereditary Cancer Syndrome. Identifiers: Orphanet 140162, MedGen C0027672, MeSH D009386, MONDO:0015356.

Submission:

Ambry Genetics
Classification: Uncertain significance for Hereditary cancer-predisposing syndrome. Last evaluated: 2023-03-06. Review status: criteria provided, single submitter. Criteria: Ambry Variant Classification Scheme 2023. Collection method: clinical testing. Allele origin: germline.
Comment: The p.I37L variant (also known as c.109A>C), located in coding exon 1 of the SUFU gene, results from an A to C substitution at nucleotide position 109. The isoleucine at codon 37 is replaced by leucine, an amino acid with highly similar properties. This amino acid position is conserved. In addition, the in silico prediction for this alteration is inconclusive. Since supporting evidence is limited at this time, the clinical significance of this alteration remains unclear.